The following is an entry in ClinVar:

ClinVar aggregate classification (germline): Uncertain significance (1 of 4 stars; one submission).

Conditions:
Epilepsy, early-onset, with or without developmental delay. Identifiers: MedGen C5882670, MONDO:0030005, OMIM 618832.

gnomAD v4.1: 9 of 1,614,116 alleles (0.00056%); highest among the groups gnomAD compares: East Asian, 0.0022%; no homozygotes.

Submission:

Neuberg Centre For Genomic Medicine, NCGM
Classification: Uncertain significance for Epilepsy, early-onset, with or without developmental delay. Last evaluated: 2023-05-20. Review status: criteria provided, single submitter. Criteria: ACMG Guidelines, 2015. Collection method: clinical testing. Allele origin: germline. Inheritance: Autosomal dominant inheritance. Affected: yes.
Comment: The missense variant c.4721G>A (p.Arg1574Gln) in the SETD1A gene has not been reported previously as a pathogenic variant nor as a benign variant, to our knowledge. This variant is reported with the allele frequency (0.003%) in the gnomAD Exomes. The amino acid Arginine at position 1574 is changed to a Glutamine changing protein sequence and it might alter its composition and physico-chemical properties. Multiple lines of computational evidence (Polyphen - Damaging, SIFT - Damaging and MutationTaster - Disease causing) predict a damaging effect on protein structure and function for this variant. The amino acid change p.Arg1574Gln in SETD1A is predicted as conserved by GERP++ and PhyloP across 100 vertebrates. For these reasons, this variant has been classified as Uncertain Significance.

NM_014712.3(SETD1A):c.4721G>A (p.Arg1574Gln)

Gene: SETD1A (SET domain containing 1A, histone lysine methyltransferase; plus strand). Cytogenetic location: 16p11.2.
Variant type: single nucleotide variant.
Coding change: c.4721G>A on transcript NM_014712.3 (MANE Select); coding-DNA position 4721, G replaced by A.
Protein change: p.Arg1574Gln; replaces arginine 1574 with glutamine.
Molecular consequence: missense variant.
Genome position (GRCh38, 1-based): chr16:30,981,089, G>A. VCF-style: chr16-30981089-G-A. GRCh37 (hg19) VCF-style: chr16-30992410-G-A.
Other names: short protein forms R1574Q.
Identifiers: ClinVar variation 3367055 (VCV003367055.1).